The following is an entry in ClinVar:

ClinVar aggregate classification (germline): Uncertain significance (1 of 4 stars; one submission).

Conditions:
Joubert syndrome. Also called: CEREBELLOPARENCHYMAL DISORDER IV; JOUBERT-BOLTSHAUSER SYNDROME; Familial aplasia of the vermis. Identifiers: Orphanet 475, MedGen C5979921, MONDO:0018772.
Meckel-Gruber syndrome. Also called: DYSENCEPHALIA SPLANCHNOCYSTICA; GRUBER SYNDROME; Dysencephalia splachnocystica. Identifiers: Orphanet 564, MedGen C0265215, MONDO:0018921.
Nephronophthisis. Also called: Juvenile Nephronophthisis. Identifiers: Orphanet 655, MedGen C0687120, MONDO:0019005, HP:0000090.

Submission:

Labcorp Genetics (formerly Invitae), Labcorp
Classification: Uncertain significance for Joubert syndrome; Meckel-Gruber syndrome; Nephronophthisis. Last evaluated: 2022-07-05. Review status: criteria provided, single submitter. Criteria: Invitae Variant Classification Sherloc (09022015). Collection method: clinical testing. Allele origin: germline.
Comment: This variant is not present in population databases (gnomAD no frequency). In summary, the available evidence is currently insufficient to determine the role of this variant in disease. Therefore, it has been classified as a Variant of Uncertain Significance. Algorithms developed to predict the effect of missense changes on protein structure and function are either unavailable or do not agree on the potential impact of this missense change (SIFT: "Deleterious"; PolyPhen-2: "Benign"; Align-GVGD: "Class C0"). This variant has not been reported in the literature in individuals affected with CEP290-related conditions. This sequence change replaces glutamic acid, which is acidic and polar, with aspartic acid, which is acidic and polar, at codon 298 of the CEP290 protein (p.Glu298Asp).

NM_025114.4(CEP290):c.894A>C (p.Glu298Asp)

Gene: CEP290 (centrosomal protein 290; minus strand). Cytogenetic location: 12q21.32.
Variant type: single nucleotide variant.
Coding change: c.894A>C on transcript NM_025114.4 (MANE Select); coding-DNA position 894, A replaced by C.
Protein change: p.Glu298Asp; replaces glutamic acid 298 with aspartic acid.
Molecular consequence: missense variant.
Genome position (GRCh38, 1-based): chr12:88,128,994, T>G on the plus strand (A>C on the coding strand, the complement: CEP290 is on the minus strand). VCF-style: chr12-88128994-T-G. GRCh37 (hg19) VCF-style: chr12-88522771-T-G.
Other names: short protein forms E298D.
Identifiers: ClinVar variation 1993816 (VCV001993816.4), dbSNP rs2039900054, ClinGen allele CA385983865.